The following is an entry in ClinVar:

NM_001256789.3(CACNA1F):c.1490+1G>T

Gene: CACNA1F (calcium voltage-gated channel subunit alpha1 F; minus strand). Cytogenetic location: Xp11.23.
Variant type: single nucleotide variant.
Coding change: c.1490+1G>T on transcript NM_001256789.3 (MANE Select); the canonical splice donor site of the intron after coding-DNA position 1490, G replaced by T.
Molecular consequence: splice donor variant.
Genome position (GRCh38, 1-based): chrX:49,226,216, C>A on the plus strand (G>T on the coding strand, the complement: CACNA1F is on the minus strand). VCF-style: chrX-49226216-C-A. GRCh37 (hg19) VCF-style: chrX-49082678-C-A.
Other names: c.1523+1G>T (NM_005183.4); c.1328+1G>T (NM_001256790.3).
Identifiers: ClinVar variation 1977599 (VCV001977599.5), dbSNP rs2519124587, ClinGen allele CA412916760.

ClinVar aggregate classification (germline): Likely pathogenic (1 of 4 stars; one submission).

Submission:

Labcorp Genetics (formerly Invitae), Labcorp
Classification: Likely pathogenic. Last evaluated: 2022-05-19. Review status: criteria provided, single submitter. Criteria: Invitae Variant Classification Sherloc (09022015). Collection method: clinical testing. Allele origin: germline.
Comment: This variant is not present in population databases (gnomAD no frequency). This sequence change affects a donor splice site in intron 12 of the CACNA1F gene. It is expected to disrupt RNA splicing. Variants that disrupt the donor or acceptor splice site typically lead to a loss of protein function (PMID: 16199547), and loss-of-function variants in CACNA1F are known to be pathogenic (PMID: 9662399, 11281458, 17525176, 22194652, 24124559, 26992781). In summary, the currently available evidence indicates that the variant is pathogenic, but additional data are needed to prove that conclusively. Therefore, this variant has been classified as Likely Pathogenic. Algorithms developed to predict the effect of sequence changes on RNA splicing suggest that this variant may disrupt the consensus splice site. This variant has not been reported in the literature in individuals affected with CACNA1F-related conditions.

Literature cited by the submitters: PubMed 16199547; PubMed 9662399; PubMed 11281458; PubMed 17525176; PubMed 22194652; PubMed 24124559; PubMed 26992781.